The following is an entry in ClinVar:

NM_001379500.1(COL18A1):c.1399-3C>T

Gene: COL18A1 (collagen type XVIII alpha 1 chain; plus strand). Cytogenetic location: 21q22.3.
Variant type: single nucleotide variant.
Coding change: c.1399-3C>T on transcript NM_001379500.1 (MANE Select); 3 bases into the intron before coding-DNA position 1399, C replaced by T.
Molecular consequence: intron variant.
Genome position (GRCh38, 1-based): chr21:45,480,464, C>T. VCF-style: chr21-45480464-C-T. GRCh37 (hg19) VCF-style: chr21-46900378-C-T.
Other names: c.2644-3C>T (NM_130444.3); c.1939-3C>T (NM_030582.4).
Identifiers: ClinVar variation 1468309 (VCV001468309.4), dbSNP rs2145936373, ClinGen allele CA2573157607.

ClinVar aggregate classification (germline): Uncertain significance (1 of 4 stars; one submission).

Allele frequency attached by ClinVar (database versions not stated): gnomAD exomes 0.00001.
gnomAD v4.1: 8 of 1,614,136 alleles (0.0005%); highest among the groups gnomAD compares: Non-Finnish European, 0.00068%; no homozygotes.

Submission:

Labcorp Genetics (formerly Invitae), Labcorp
Classification: Uncertain significance. Last evaluated: 2022-07-12. Review status: criteria provided, single submitter. Criteria: Invitae Variant Classification Sherloc (09022015). Collection method: clinical testing. Allele origin: germline.
Comment: This sequence change falls in intron 11 of the COL18A1 gene. It does not directly change the encoded amino acid sequence of the COL18A1 protein. It affects a nucleotide within the consensus splice site. This variant is not present in population databases (gnomAD no frequency). This variant has not been reported in the literature in individuals affected with COL18A1-related conditions. ClinVar contains an entry for this variant (Variation ID: 1468309). Variants that disrupt the consensus splice site are a relatively common cause of aberrant splicing (PMID: 17576681, 9536098). Experimental studies and prediction algorithms are not available or were not evaluated, and the effect of this variant on mRNA splicing is currently unknown. In summary, the available evidence is currently insufficient to determine the role of this variant in disease. Therefore, it has been classified as a Variant of Uncertain Significance.

Literature cited by the submitters: PubMed 17576681; PubMed 9536098.